The following is an entry in ClinVar:

NM_024675.4(PALB2):c.1314del (p.Phe440fs)

Gene: PALB2 (partner and localizer of BRCA2; minus strand). Cytogenetic location: 16p12.2.
Variant type: Deletion.
Coding change: c.1314del on transcript NM_024675.4 (MANE Select); coding-DNA position 1314, one base deleted (A; older notation c.1314delA).
Protein change: p.Phe440fs; shifts the reading frame from phenylalanine 440.
Molecular consequence: frameshift variant.
Genome position (GRCh38, 1-based): chr16:23,635,232, T deleted on the plus strand (A on the coding strand, the reverse complement: PALB2 is on the minus strand); the first of 6 consecutive T bases (chr16:23,635,232-23,635,237); deleting any one gives the same sequence. VCF-style (leftmost placement, unchanged base first): chr16-23635231-CT-C. GRCh37 (hg19) VCF-style: chr16-23646552-CT-C.
Other names: NM_024675.3:c.1314del; short protein forms F440fs.
Identifiers: ClinVar variation 126596 (VCV000126596.3), dbSNP rs515726065, ClinGen allele CA151225.

ClinVar aggregate classification (germline): Pathogenic. Review status: criteria provided, single submitter (1 of 4 stars). 2 submissions from 2 submitters: Pathogenic (1). 1 of the submissions does not count toward it. Last evaluated 2023-09-08.

Conditions:
Familial cancer of breast. Also called: BREAST CANCER, FAMILIAL; hereditary breast carcinoma; Hereditary breast cancer. Identifiers: Orphanet 227535, MedGen C0346153, MONDO:0016419, OMIM 114480. Disease mechanism: loss of function.

Submissions (2):

Myriad Genetics, Inc.
Classification: Pathogenic for Familial cancer of breast. Last evaluated: 2023-09-08. Review status: criteria provided, single submitter. Criteria: Myriad Autosomal Dominant, Autosomal Recessive and X-Linked Classification Criteria (2023). Collection method: clinical testing. Allele origin: unknown.
Comment: This variant is considered pathogenic. This variant creates a frameshift predicted to result in premature protein truncation.

Leiden Open Variation Database
Classification: Pathogenic. Last evaluated: 2019-05-13. Review status: no assertion criteria provided. Collection method: curation. Allele origin: germline. Affected: yes. Not counted in ClinVar's aggregate classification.
Comment: Curators: Marc Tischkowitz, Arleen D. Auerbach. Submitter to LOVD: Marc Tischkowitz.

Literature cited by the submitters: PubMed 21184274 (cited by Leiden Open Variation Database); PubMed 25099575 (cited by Leiden Open Variation Database).